The following is an entry in ClinVar:

NM_001164688.2(RD3):c.83C>A (p.Thr28Lys)

Gene: RD3 (RD3 regulator of GUCY2D; minus strand). Cytogenetic location: 1q32.3.
Variant type: single nucleotide variant.
Coding change: c.83C>A on transcript NM_001164688.2 (MANE Select); coding-DNA position 83, C replaced by A.
Protein change: p.Thr28Lys; replaces threonine 28 with lysine.
Molecular consequence: missense variant.
Genome position (GRCh38, 1-based): chr1:211,481,333, G>T on the plus strand (C>A on the coding strand, the complement: RD3 is on the minus strand). VCF-style: chr1-211481333-G-T. GRCh37 (hg19) VCF-style: chr1-211654675-G-T.
Other names: c.83C>A, p.Thr28Lys (NM_183059.3); short protein forms T28K.
Identifiers: ClinVar variation 2125498 (VCV002125498.4), dbSNP rs61740157, ClinGen allele CA344879590.
Genomic context (GRCh38, chr1:211,481,333, plus strand): 5'-CTGCGCTCCCGCTGCTGCCTCTCAGCCTCTCGCATCTGCCCCGTCAGCTCCATCATAAGC[G>T]TCTCCAGCACCATCTCAGCAGGGCTCCTGGTGGACAGCCGGGATGGGGCCTCGTTCCACC-3'
Protein context (NP_001158160.1, residues 18-38): TRSPAEMVLE[Thr28Lys]LMMELTGQMR

ClinVar aggregate classification (germline): Uncertain significance (1 of 4 stars; one submission).

Conditions:
Leber congenital amaurosis 12 (LCA12). Identifiers: Orphanet 65, MedGen C1857743, MONDO:0012525, OMIM 610612.

Submission:

Labcorp Genetics (formerly Invitae), Labcorp
Classification: Uncertain significance for Leber congenital amaurosis 12. Last evaluated: 2022-04-12. Review status: criteria provided, single submitter. Criteria: Invitae Variant Classification Sherloc (09022015). Collection method: clinical testing. Allele origin: germline.
Comment: In summary, the available evidence is currently insufficient to determine the role of this variant in disease. Therefore, it has been classified as a Variant of Uncertain Significance. Algorithms developed to predict the effect of missense changes on protein structure and function (SIFT, PolyPhen-2, Align-GVGD) all suggest that this variant is likely to be disruptive. This variant has not been reported in the literature in individuals affected with RD3-related conditions. This variant is not present in population databases (gnomAD no frequency). This sequence change replaces threonine, which is neutral and polar, with lysine, which is basic and polar, at codon 28 of the RD3 protein (p.Thr28Lys).